The following is an entry in ClinVar:

NM_004055.5(CAPN5):c.108C>T (p.Asp36=)

Gene: CAPN5 (calpain 5; plus strand). Cytogenetic location: 11q13.5.
Variant type: single nucleotide variant.
Coding change: c.108C>T on transcript NM_004055.5 (MANE Select); coding-DNA position 108, C replaced by T.
Protein change: p.Asp36=; no amino-acid change (aspartic acid 36 retained).
Molecular consequence: synonymous variant.
Genome position (GRCh38, 1-based): chr11:77,084,994, C>T. VCF-style: chr11-77084994-C-T. GRCh37 (hg19) VCF-style: chr11-76796040-C-T.
Other names: c.108C>T (NM_004055.4).
Identifiers: ClinVar variation 1079088 (VCV001079088.12), dbSNP rs782476094, ClinGen allele CA6196113.
Genomic context (GRCh38, chr11:77,084,994, plus strand): 5'-GAGGCGGGACTGCCGGCGCAGGAAGGTGCTCTTCGAGGACCCCCTCTTCCCCGCCACTGA[C>T]GACTCACTCTACTATAAGGGCACGCCGGGGCCCGCCGTCAGGTGGAAGCGACCCAAGGTC-3'
Protein context (NP_004046.2, residues 26-46): LFEDPLFPAT[Asp36=]DSLYYKGTPG

ClinVar aggregate classification (germline): Likely benign. Review status: criteria provided, multiple submitters, no conflicts (2 of 4 stars). 3 submissions from 3 submitters: Likely benign (2). 1 of the submissions does not count toward it. Last evaluated 2025-02-13.

Conditions:
CAPN5-related disorder. Also called: CAPN5-related condition.

Allele frequency attached by ClinVar (database versions not stated): ExAC 0.00001; gnomAD exomes 0.00002; gnomAD 0.00003; TOPMed 0.00008.
gnomAD v4.1: 42 of 1,613,774 alleles (0.0026%); highest among the groups gnomAD compares: Middle Eastern, 0.016%; no homozygotes.

Submissions (3):

Labcorp Genetics (formerly Invitae), Labcorp
Classification: Likely benign. Last evaluated: 2025-02-13. Review status: criteria provided, single submitter. Criteria: Invitae Variant Classification Sherloc (09022015). Collection method: clinical testing. Allele origin: germline.

Blueprint Genetics
Classification: Likely benign. Last evaluated: 2024-10-22. Review status: criteria provided, single submitter. Criteria: ACMG Guidelines, 2015. Collection method: clinical testing. Allele origin: germline.

PreventionGenetics, part of Exact Sciences
Classification: Likely benign for CAPN5-related condition. Last evaluated: 2019-06-05. Review status: no assertion criteria provided. Collection method: clinical testing. Allele origin: germline. Not counted in ClinVar's aggregate classification.
Comment: This variant is classified as likely benign based on ACMG/AMP sequence variant interpretation guidelines (Richards et al. 2015 PMID: 25741868, with internal and published modifications).